The following is an entry in ClinVar:

NM_005359.6(SMAD4):c.98A>G (p.Glu33Gly)

Gene: SMAD4 (SMAD family member 4; plus strand). Cytogenetic location: 18q21.2.
Variant type: single nucleotide variant.
Coding change: c.98A>G on transcript NM_005359.6 (MANE Select); coding-DNA position 98, A replaced by G.
Protein change: p.Glu33Gly; replaces glutamic acid 33 with glycine.
Molecular consequence: missense variant. On other transcripts: non-coding transcript variant (2).
Genome position (GRCh38, 1-based): chr18:51,047,144, A>G. VCF-style: chr18-51047144-A-G. GRCh37 (hg19) VCF-style: chr18-48573514-A-G.
Other names: c.98A>G, p.Glu33Gly (NM_001407041.1, NM_001407042.1, NM_001407043.1); short protein forms E33G.
Identifiers: ClinVar variation 3637559 (VCV003637559.2).

ClinVar aggregate classification (germline): Uncertain significance (1 of 4 stars; one submission).

Conditions:
Juvenile polyposis syndrome (JPS). Identifiers: Orphanet 2929, MedGen C0345893, MONDO:0017380, OMIM 174900.

gnomAD v4.1: 1 of 1,614,154 alleles (0.000062%); highest among the groups gnomAD compares: African/African-American, 0.0013%; no homozygotes.

Submission:

Labcorp Genetics (formerly Invitae), Labcorp
Classification: Uncertain significance for Juvenile polyposis syndrome. Last evaluated: 2024-02-03. Review status: criteria provided, single submitter. Criteria: Invitae Variant Classification Sherloc (09022015). Collection method: clinical testing. Allele origin: germline.
Comment: This sequence change replaces glutamic acid, which is acidic and polar, with glycine, which is neutral and non-polar, at codon 33 of the SMAD4 protein (p.Glu33Gly). This variant is not present in population databases (gnomAD no frequency). This variant has not been reported in the literature in individuals affected with SMAD4-related conditions. Advanced modeling of protein sequence and biophysical properties (such as structural, functional, and spatial information, amino acid conservation, physicochemical variation, residue mobility, and thermodynamic stability) has been performed at Invitae for this missense variant, however the output from this modeling did not meet the statistical confidence thresholds required to predict the impact of this variant on SMAD4 protein function. In summary, the available evidence is currently insufficient to determine the role of this variant in disease. Therefore, it has been classified as a Variant of Uncertain Significance.